The following is an entry in ClinVar:

NM_001111067.4(ACVR1):c.1491A>T (p.Lys497Asn)

Gene: ACVR1 (activin A receptor type 1; minus strand). Cytogenetic location: 2q24.1.
Variant type: single nucleotide variant.
Coding change: c.1491A>T on transcript NM_001111067.4 (MANE Select); coding-DNA position 1491, A replaced by T.
Protein change: p.Lys497Asn; replaces lysine 497 with asparagine.
Molecular consequence: missense variant.
Genome position (GRCh38, 1-based): chr2:157,737,570, T>A on the plus strand (A>T on the coding strand, the complement: ACVR1 is on the minus strand). VCF-style: chr2-157737570-T-A. GRCh37 (hg19) VCF-style: chr2-158594082-T-A.
Other names: c.1491A>T, p.Lys497Asn (NM_001105.5, NM_001347663.1, NM_001347664.1 and 3 more transcripts); short protein forms K497N.
Identifiers: ClinVar variation 4734890 (VCV004734890.1).

ClinVar aggregate classification (germline): Uncertain significance (1 of 4 stars; one submission).

Submission:

Labcorp Genetics (formerly Invitae), Labcorp
Classification: Uncertain significance. Last evaluated: 2026-01-07. Review status: criteria provided, single submitter. Criteria: Invitae Variant Classification Sherloc (09022015). Collection method: clinical testing. Allele origin: germline.
Comment: This sequence change replaces lysine, which is basic and polar, with asparagine, which is neutral and polar, at codon 497 of the ACVR1 protein (p.Lys497Asn). This variant is not present in population databases (gnomAD no frequency). This variant has not been reported in the literature in individuals affected with ACVR1-related conditions. An algorithm developed to predict the effect of missense changes on protein structure and function (PolyPhen-2) suggests that this variant is likely to be disruptive. In summary, the available evidence is currently insufficient to determine the role of this variant in disease. Therefore, it has been classified as a Variant of Uncertain Significance.